The following is an entry in ClinVar:

NM_018192.4(P3H2):c.184C>T (p.Arg62Ter)

Gene: P3H2 (prolyl 3-hydroxylase 2; minus strand). Cytogenetic location: 3q28.
Variant type: single nucleotide variant.
Coding change: c.184C>T on transcript NM_018192.4 (MANE Select); coding-DNA position 184, C replaced by T.
Protein change: p.Arg62Ter; replaces arginine 62 with a stop codon.
Molecular consequence: nonsense. On other transcripts: intron variant (1).
Genome position (GRCh38, 1-based): chr3:190,120,548, G>A on the plus strand (C>T on the coding strand, the complement: P3H2 is on the minus strand). VCF-style: chr3-190120548-G-A. GRCh37 (hg19) VCF-style: chr3-189838337-G-A.
Other names: c.-64+1655C>T (NM_001134418.2); short protein forms R62*.
Identifiers: ClinVar variation 1451124 (VCV001451124.6), dbSNP rs1201599033, ClinGen allele CA355859996.

ClinVar aggregate classification (germline): Pathogenic (1 of 4 stars; one submission).

Allele frequency attached by ClinVar (database versions not stated): TOPMed 0.00001.

Submission:

Labcorp Genetics (formerly Invitae), Labcorp
Classification: Pathogenic. Last evaluated: 2025-10-30. Review status: criteria provided, single submitter. Criteria: Invitae Variant Classification Sherloc (09022015). Collection method: clinical testing. Allele origin: germline.
Comment: This sequence change creates a premature translational stop signal (p.Arg62*) in the P3H2 gene. It is expected to result in an absent or disrupted protein product. Loss-of-function variants in P3H2 are known to be pathogenic (PMID: 24172257, 25469533). This variant is not present in population databases (gnomAD no frequency). This variant has not been reported in the literature in individuals affected with P3H2-related conditions. ClinVar contains an entry for this variant (Variation ID: 1451124). For these reasons, this variant has been classified as Pathogenic.

Literature cited by the submitters: PubMed 24172257; PubMed 25469533.